The following is an entry in ClinVar:

ClinVar aggregate classification (germline): Pathogenic (1 of 4 stars; one submission).

Conditions:
Ataxia-telangiectasia syndrome (AT). Also called: Ataxia-telangiectasia, complementation group E; LOUIS-BAR SYNDROME; Ataxia-telangiectasia, complementation group D; AT, COMPLEMENTATION GROUP C; Ataxia-telangiectasia; Cerebello-oculocutaneous telangiectasia. Identifiers: Orphanet 100, MedGen C0004135, MONDO:0008840, OMIM 208900.

Submission:

Labcorp Genetics (formerly Invitae), Labcorp
Classification: Pathogenic for Ataxia-telangiectasia syndrome. Last evaluated: 2022-11-15. Review status: criteria provided, single submitter. Criteria: Invitae Variant Classification Sherloc (09022015). Collection method: clinical testing. Allele origin: germline.
Comment: For these reasons, this variant has been classified as Pathogenic. This variant has been observed in individual(s) with clinical features of ataxia-telangiectasia (PMID: 12815592). In at least one individual the data is consistent with being in trans (on the opposite chromosome) from a pathogenic variant. This variant results in the deletion of exons 27-54 and part of exon 26 (c.3964_8010+229del) of the ATM gene. It is expected to disrupt RNA splicing. Variants that disrupt the donor or acceptor splice site typically lead to a loss of protein function (PMID: 16199547), and loss-of-function variants in ATM are known to be pathogenic (PMID: 23807571, 25614872).

Literature cited by the submitters: PubMed 12815592; PubMed 16199547; PubMed 23807571; PubMed 25614872.

NC_000011.9:g.(?_108155171)_(108204924_?)del

Gene: ATM (ATM serine/threonine kinase; plus strand). Cytogenetic location: 11q22.3.
Variant type: Deletion.
Identifiers: ClinVar variation 1459146 (VCV001459146.4).